The following is an entry in ClinVar:

NM_016529.6(ATP8A2):c.1662G>A (p.Ala554=)

Gene: ATP8A2 (ATPase phospholipid transporting 8A2). Cytogenetic location: 13q12.13.
Variant type: single nucleotide variant.
Coding change: c.1662G>A on transcript NM_016529.6 (MANE Select); coding-DNA position 1662, G replaced by A.
Protein change: p.Ala554=; no amino-acid change (alanine 554 retained).
Molecular consequence: synonymous variant.
Genome position (GRCh38, 1-based): chr13:25,571,692, G>A. VCF-style: chr13-25571692-G-A. GRCh37 (hg19) VCF-style: chr13-26145830-G-A.
Other names: c.1542G>A, p.Ala514= (NM_001313741.1); c.1662G>A, p.Ala554= (NM_001411005.1, NM_001411006.1).
Identifiers: ClinVar variation 1909334 (VCV001909334.5), dbSNP rs765757067, ClinGen allele CA6922983.

ClinVar aggregate classification (germline): Uncertain significance (1 of 4 stars; one submission).

Allele frequency attached by ClinVar (database versions not stated): gnomAD 0.00001; TOPMed 0.00001; ExAC 0.00002.
gnomAD v4.1: 18 of 1,613,310 alleles (0.0011%); highest among the groups gnomAD compares: Admixed American, 0.0017%; no homozygotes.

Submission:

Labcorp Genetics (formerly Invitae), Labcorp
Classification: Uncertain significance. Last evaluated: 2024-10-16. Review status: criteria provided, single submitter. Criteria: Invitae Variant Classification Sherloc (09022015). Collection method: clinical testing. Allele origin: germline.
Comment: This sequence change affects codon 554 of the ATP8A2 mRNA. It is a 'silent' change, meaning that it does not change the encoded amino acid sequence of the ATP8A2 protein. This variant also falls at the last nucleotide of exon 18, which is part of the consensus splice site for this exon. This variant is present in population databases (rs765757067, gnomAD 0.004%). This variant has not been reported in the literature in individuals affected with ATP8A2-related conditions. ClinVar contains an entry for this variant (Variation ID: 1909334). Variants that disrupt the consensus splice site are a relatively common cause of aberrant splicing (PMID: 17576681, 9536098). Algorithms developed to predict the effect of sequence changes on RNA splicing suggest that this variant may disrupt the consensus splice site. In summary, the available evidence is currently insufficient to determine the role of this variant in disease. Therefore, it has been classified as a Variant of Uncertain Significance.

Literature cited by the submitters: PubMed 17576681; PubMed 9536098.